The following is an entry in ClinVar:

ClinVar aggregate classification (germline): Uncertain significance. Review status: criteria provided, multiple submitters, no conflicts (2 of 4 stars). 2 submissions from 2 submitters: Uncertain significance (2). Last evaluated 2026-04-01.

Conditions:
Norman-Roberts syndrome (LIS2). Also called: Lissencephaly 2 (Norman-Roberts type). Identifiers: Orphanet 89844, MedGen C0796089, MONDO:0009760, OMIM 257320.
Familial temporal lobe epilepsy 7. Identifiers: Orphanet 101046, MedGen C4225327, MONDO:0014639, OMIM 616436.

Allele frequency attached by ClinVar (database versions not stated): TOPMed below 0.00001; gnomAD 0.00001.
gnomAD v4.1: 3 of 1,613,856 alleles (0.00019%); highest among the groups gnomAD compares: South Asian, 0.0011%; no homozygotes.

Submissions (2):

CeGaT Center for Human Genetics Tuebingen
Classification: Uncertain significance. Last evaluated: 2026-04-01. Review status: criteria provided, single submitter. Criteria: CeGaT Center For Human Genetics Tuebingen Variant Classification Criteria Version 2. Collection method: clinical testing. Allele origin: germline. Affected: yes. Observed: 2 variant alleles.
Comment: RELN: PM2

Labcorp Genetics (formerly Invitae), Labcorp
Classification: Uncertain significance for Familial temporal lobe epilepsy 7; Norman-Roberts syndrome. Last evaluated: 2024-01-19. Review status: criteria provided, single submitter. Criteria: Invitae Variant Classification Sherloc (09022015). Collection method: clinical testing. Allele origin: germline.
Comment: This sequence change replaces glycine, which is neutral and non-polar, with aspartic acid, which is acidic and polar, at codon 398 of the RELN protein (p.Gly398Asp). This variant is present in population databases (no rsID available, gnomAD 0.003%). This variant has not been reported in the literature in individuals affected with RELN-related conditions. ClinVar contains an entry for this variant (Variation ID: 843448). Advanced modeling of protein sequence and biophysical properties (such as structural, functional, and spatial information, amino acid conservation, physicochemical variation, residue mobility, and thermodynamic stability) performed at Invitae indicates that this missense variant is not expected to disrupt RELN protein function with a negative predictive value of 80%. In summary, the available evidence is currently insufficient to determine the role of this variant in disease. Therefore, it has been classified as a Variant of Uncertain Significance.

NM_005045.4(RELN):c.1193G>A (p.Gly398Asp)

Gene: RELN (reelin; minus strand). Cytogenetic location: 7q22.1.
Variant type: single nucleotide variant.
Coding change: c.1193G>A on transcript NM_005045.4 (MANE Select); coding-DNA position 1193, G replaced by A.
Protein change: p.Gly398Asp; replaces glycine 398 with aspartic acid.
Molecular consequence: missense variant.
Genome position (GRCh38, 1-based): chr7:103,682,212, C>T on the plus strand (G>A on the coding strand, the complement: RELN is on the minus strand). VCF-style: chr7-103682212-C-T. GRCh37 (hg19) VCF-style: chr7-103322659-C-T.
Other names: c.1193G>A, p.Gly398Asp (NM_173054.3); short protein forms G398D.
Identifiers: ClinVar variation 843448 (VCV000843448.15), dbSNP rs766992224, ClinGen allele CA368926571.